The following is an entry in ClinVar:

ClinVar aggregate classification (germline): Benign/Likely benign. Review status: criteria provided, multiple submitters, no conflicts (2 of 4 stars). 9 submissions from 9 submitters: Benign (1); Likely benign (7). 1 of the submissions does not count toward it. Last evaluated 2026-04-01.

Conditions:
Charcot-Marie-Tooth disease type 2. Also called: Charcot-Marie-Tooth type 2. Identifiers: Orphanet 64746, MedGen C0270914, MONDO:0018993.
Charcot-Marie-Tooth disease. Also called: Charcot-Marie-Tooth Hereditary Neuropathy; Charcot-Marie-Tooth Neuropathy. Identifiers: Orphanet 166, MedGen C0007959, MONDO:0015626.
GARS1-related disorder. Also called: GARS1-related condition.

Allele frequency attached by ClinVar (database versions not stated): gnomAD exomes 0.00011; 1000 Genomes Project 30x 0.00016; TOPMed 0.00017; ExAC 0.00018; 1000 Genomes Project 0.00020; gnomAD 0.00021; ESP Exome Variant Server 0.00025.
gnomAD v4.1: 618 of 1,612,956 alleles (0.038%); highest among the groups gnomAD compares: Non-Finnish European, 0.05%; no homozygotes.

Submissions (9):

CeGaT Center for Human Genetics Tuebingen
Classification: Likely benign. Last evaluated: 2026-04-01. Review status: criteria provided, single submitter. Criteria: CeGaT Center For Human Genetics Tuebingen Variant Classification Criteria Version 2. Collection method: clinical testing. Allele origin: germline. Affected: yes. Observed: 2 variant alleles.
Comment: GARS1: BP4, BP7

Labcorp Genetics (formerly Invitae), Labcorp
Classification: Likely benign for Charcot-Marie-Tooth disease type 2. Last evaluated: 2025-07-06. Review status: criteria provided, single submitter. Criteria: Invitae Variant Classification Sherloc (09022015). Collection method: clinical testing. Allele origin: germline.

Blueprint Genetics
Classification: Likely benign. Last evaluated: 2024-06-27. Review status: criteria provided, single submitter. Criteria: ACMG Guidelines, 2015. Collection method: clinical testing. Allele origin: germline.

Athena Diagnostics
Classification: Benign. Last evaluated: 2021-06-07. Review status: criteria provided, single submitter. Criteria: Athena Diagnostics criteria. Collection method: clinical testing. Allele origin: unknown.

GeneDx
Classification: Likely benign. Last evaluated: 2020-10-01. Review status: criteria provided, single submitter. Criteria: GeneDx Variant Classification Process June 2021. Collection method: clinical testing. Allele origin: germline. Affected: yes.

ARUP Laboratories, Molecular Genetics and Genomics, ARUP Laboratories
Classification: Likely benign. Last evaluated: 2020-05-07. Review status: criteria provided, single submitter. Criteria: ARUP Molecular Germline Variant Investigation Process. Collection method: clinical testing. Allele origin: germline.

Ambry Genetics
Classification: Likely benign. Last evaluated: 2019-07-11. Review status: criteria provided, single submitter. Criteria: Ambry Variant Classification Scheme 2023. Collection method: clinical testing. Allele origin: germline.

Molecular Genetics Laboratory, London Health Sciences Centre
Classification: Likely benign for Charcot-Marie-Tooth disease. Review status: criteria provided, single submitter. Criteria: ACMG Guidelines, 2015. Collection method: clinical testing. Allele origin: germline. Affected: yes.

PreventionGenetics, part of Exact Sciences
Classification: Likely benign for GARS1-related condition. Last evaluated: 2019-03-19. Review status: no assertion criteria provided. Collection method: clinical testing. Allele origin: germline. Not counted in ClinVar's aggregate classification.
Comment: This variant is classified as likely benign based on ACMG/AMP sequence variant interpretation guidelines (Richards et al. 2015 PMID: 25741868, with internal and published modifications).

NM_002047.4(GARS1):c.408A>G (p.Gln136=)

Gene: GARS1 (glycyl-tRNA synthetase 1; plus strand). Cytogenetic location: 7p14.3.
Variant type: single nucleotide variant.
Coding change: c.408A>G on transcript NM_002047.4 (MANE Select); coding-DNA position 408, A replaced by G.
Protein change: p.Gln136=; no amino-acid change (glutamine 136 retained).
Molecular consequence: synonymous variant.
Genome position (GRCh38, 1-based): chr7:30,600,030, A>G. VCF-style: chr7-30600030-A-G. GRCh37 (hg19) VCF-style: chr7-30639646-A-G.
Other names: c.408A>G (LRG_243t1, NM_002047.3); c.246A>G, p.Gln82= (NM_001316772.1).
Identifiers: ClinVar variation 385077 (VCV000385077.67), dbSNP rs200279483, ClinGen allele CA4205690.